The following is an entry in ClinVar:

ClinVar aggregate classification (germline): Likely pathogenic (1 of 4 stars; one submission).

Conditions:
Maturity-onset diabetes of the young (MODY). Also called: Maturity onset diabetes mellitus in young. Identifiers: Orphanet 552, MedGen C0342276, MONDO:0018911, HP:0004904.

Allele frequency attached by ClinVar (database versions not stated): gnomAD exomes below 0.00001.

Submission:

Laboratory for Molecular Medicine, Mass General Brigham Personalized Medicine
Classification: Likely pathogenic for Maturity-onset diabetes of the young. Last evaluated: 2020-11-06. Review status: criteria provided, single submitter. Criteria: ACMG Guidelines, 2015. Collection method: clinical testing. Allele origin: germline.
Comment: The p.Ile414ProfsX44 variant in HNF1A has not been reported in individuals with maturity onset diabetes of the young (MODY) and was absent from large population studies. This variant is predicted to cause a frameshift, which alters the protein’s amino acid sequence beginning at position 414 and leads to a premature termination codon 44 amino acids downstream. This alteration is then predicted to lead to a truncated or absent protein. Heterozygous loss of function of the HNF1A gene is an established disease mechanism in autosomal dominant MODY. In summary although additional studies are required to fully establish its clinical significance, this variant meets criteria to be classified as likely pathogenic for autosomal dominant MODY. ACMG/AMP Criteria applied: PM2, PVS1.

NM_000545.8(HNF1A):c.1238_1239dup (p.Ile414fs)

Gene: HNF1A (HNF1 homeobox A; plus strand). Cytogenetic location: 12q24.31.
Variant type: Duplication.
Coding change: c.1238_1239dup on transcript NM_000545.8 (MANE Select); coding-DNA positions 1238 to 1239, 2 bases duplicated (CC; older notation c.1238_1239dupCC).
Protein change: p.Ile414fs; shifts the reading frame from isoleucine 414.
Molecular consequence: frameshift variant.
Genome position (GRCh38, 1-based): chr12:120,996,671-120,996,672, CC duplicated. VCF-style (leftmost placement, unchanged base first): chr12-120996670-A-ACC. GRCh37 (hg19) VCF-style: chr12-121434473-A-ACC.
Other names: c.1238_1239dup, p.Ile414fs (NM_001306179.2, NM_001406915.1); short protein forms I414fs.
Identifiers: ClinVar variation 3075822 (VCV003075822.1), dbSNP rs2500002688, ClinGen allele CA2621390365.